The following is an entry in ClinVar:

NM_005022.4(PFN1):c.404T>G (p.Leu135Arg)

Gene: PFN1 (profilin 1; minus strand). Cytogenetic location: 17p13.2.
Variant type: single nucleotide variant.
Coding change: c.404T>G on transcript NM_005022.4 (MANE Select); coding-DNA position 404, T replaced by G.
Protein change: p.Leu135Arg; replaces leucine 135 with arginine.
Molecular consequence: missense variant. On other transcripts: 3 prime UTR variant (1).
Genome position (GRCh38, 1-based): chr17:4,945,919, A>C on the plus strand (T>G on the coding strand, the complement: PFN1 is on the minus strand). VCF-style: chr17-4945919-A-C. GRCh37 (hg19) VCF-style: chr17-4849214-A-C.
Other names: c.*488T>G (NM_001375991.1); short protein forms L135R.
Identifiers: ClinVar variation 1713431 (VCV001713431.5), dbSNP rs2507685193, ClinGen allele CA397338075.
Genomic context (GRCh38, chr17:4,945,919, plus strand): 5'-CAAAGCTGTGGGGAGCGGTGAAGGGGAAGGGACAGACGAGGTCAGTACTGGGAACGCCGA[A>C]GGTGGGAGGCCATTTCATAACATTTCTTGTTGATCAAACCACCGTGGACACCTTCTTTGC-3'
Protein context (NP_005013.1, residues 125-140): NKKCYEMASH[Leu135Arg]RRSQY

ClinVar aggregate classification (germline): Uncertain significance (1 of 4 stars; one submission).

Submission:

Labcorp Genetics (formerly Invitae), Labcorp
Classification: Uncertain significance. Last evaluated: 2022-07-23. Review status: criteria provided, single submitter. Criteria: Invitae Variant Classification Sherloc (09022015). Collection method: clinical testing. Allele origin: germline.
Comment: In summary, the available evidence is currently insufficient to determine the role of this variant in disease. Therefore, it has been classified as a Variant of Uncertain Significance. Algorithms developed to predict the effect of missense changes on protein structure and function (SIFT, PolyPhen-2, Align-GVGD) all suggest that this variant is likely to be disruptive. This variant has not been reported in the literature in individuals affected with PFN1-related conditions. This variant is not present in population databases (gnomAD no frequency). This sequence change replaces leucine, which is neutral and non-polar, with arginine, which is basic and polar, at codon 135 of the PFN1 protein (p.Leu135Arg).